The following is an entry in ClinVar:

ClinVar aggregate classification (germline): Uncertain significance (1 of 4 stars; one submission).

Conditions:
MHC class II deficiency. Also called: BLS, TYPE II; Bare lymphocyte syndrome 2. Identifiers: Orphanet 572, MedGen C5447452, MONDO:0008855.

gnomAD v4.1: 10 of 1,613,802 alleles (0.00062%); highest among the groups gnomAD compares: Non-Finnish European, 0.00085%; no homozygotes.

Submission:

Labcorp Genetics (formerly Invitae), Labcorp
Classification: Uncertain significance for MHC class II deficiency. Last evaluated: 2022-08-09. Review status: criteria provided, single submitter. Criteria: Invitae Variant Classification Sherloc (09022015). Collection method: clinical testing. Allele origin: germline.
Comment: This sequence change replaces glycine, which is neutral and non-polar, with arginine, which is basic and polar, at codon 129 of the CIITA protein (p.Gly129Arg). This variant is present in population databases (rs751742953, gnomAD 0.002%). This variant has not been reported in the literature in individuals affected with CIITA-related conditions. ClinVar contains an entry for this variant (Variation ID: 1450994). Algorithms developed to predict the effect of missense changes on protein structure and function (SIFT, PolyPhen-2, Align-GVGD) all suggest that this variant is likely to be tolerated. In summary, the available evidence is currently insufficient to determine the role of this variant in disease. Therefore, it has been classified as a Variant of Uncertain Significance.

NM_000246.4(CIITA):c.385G>C (p.Gly129Arg)

Gene: CIITA (class II major histocompatibility complex transactivator; plus strand). Cytogenetic location: 16p13.13.
Variant type: single nucleotide variant.
Coding change: c.385G>C on transcript NM_000246.4 (MANE Select); coding-DNA position 385, G replaced by C.
Protein change: p.Gly129Arg; replaces glycine 129 with arginine.
Molecular consequence: missense variant. On other transcripts: non-coding transcript variant (1).
Genome position (GRCh38, 1-based): chr16:10,898,951, G>C. VCF-style: chr16-10898951-G-C. GRCh37 (hg19) VCF-style: chr16-10992808-G-C.
Other names: c.388G>C, p.Gly130Arg (NM_001286402.1, NM_001379330.1, NM_001379332.1); c.385G>C, p.Gly129Arg (NM_001286403.2, NM_001379331.1, NM_001379333.1); c.316G>C, p.Gly106Arg (NM_001379334.1); short protein forms G129R, G130R, G106R.
Identifiers: ClinVar variation 1450994 (VCV001450994.6), dbSNP rs751742953, ClinGen allele CA7899699.